The following is an entry in ClinVar:

ClinVar aggregate classification (germline): Benign/Likely benign. Review status: criteria provided, multiple submitters, no conflicts (2 of 4 stars). 9 submissions from 9 submitters: Benign (6); Likely benign (2). 1 of the submissions does not count toward it. Last evaluated 2026-02-04.

Conditions:
Inborn genetic diseases. Identifiers: MedGen C0950123, MeSH D030342.
Developmental and epileptic encephalopathy, 12 (DEE12). Identifiers: MedGen C3150988, MONDO:0013389, OMIM 613722.

Allele frequency attached by ClinVar (database versions not stated): gnomAD exomes 0.15053 and 0.15852; ExAC 0.16853; TOPMed 0.17497; gnomAD 0.18024 and 0.18027; 1000 Genomes Project 0.18710; 1000 Genomes Project 30x 0.18926; ESP Exome Variant Server 0.19279.
gnomAD v4.1: 218,968 of 1,427,118 alleles (15%); highest among the groups gnomAD compares: African/African-American, 22%; 17,701 homozygotes.

Submissions (9):

Labcorp Genetics (formerly Invitae), Labcorp
Classification: Benign for Developmental and epileptic encephalopathy, 12. Last evaluated: 2026-02-04. Review status: criteria provided, single submitter. Criteria: Invitae Variant Classification Sherloc (09022015). Collection method: clinical testing. Allele origin: germline.

Blueprint Genetics
Classification: Likely benign. Last evaluated: 2024-11-28. Review status: criteria provided, single submitter. Criteria: ACMG Guidelines, 2015. Collection method: clinical testing. Allele origin: germline.

Unidad de Genómica Garrahan, Hospital de Pediatría Garrahan
Classification: Benign. Last evaluated: 2024-07-15. Review status: criteria provided, single submitter. Criteria: ACMG Guidelines, 2015. Collection method: clinical testing. Allele origin: germline. Affected: no. Observed: 20 variant alleles.
Comment: This variant is classified as Benign based on local population frequency. This variant was detected in 22% of patients studied in a panel designed for Epileptic and Developmental Encephalopathy and Progressive Myoclonus Epilepsy. Number of patients: 20. Only high quality variants are reported.

GeneDx
Classification: Benign. Last evaluated: 2020-11-20. Review status: criteria provided, single submitter. Criteria: GeneDx Variant Classification Process June 2021. Collection method: clinical testing. Allele origin: germline. Affected: yes.

Mayo Clinic Laboratories, Mayo Clinic
Classification: Benign. Last evaluated: 2018-04-10. Review status: criteria provided, single submitter. Criteria: ACMG Guidelines, 2015. Collection method: clinical testing. Allele origin: germline. Observed: 155 variant alleles.

Ambry Genetics
Classification: Benign for Inborn genetic diseases. Last evaluated: 2016-01-08. Review status: criteria provided, single submitter. Criteria: Ambry Variant Classification Scheme 2023. Collection method: clinical testing. Allele origin: germline.

Breakthrough Genomics
Classification: Likely benign. Review status: criteria provided, single submitter. Criteria: ACMG Guidelines, 2015. Collection method: not provided. Allele origin: germline. Inheritance: Autosomal recessive inheritance. Affected: yes.

PreventionGenetics, part of Exact Sciences
Classification: Benign. Review status: criteria provided, single submitter. Criteria: ACMG Guidelines, 2015. Collection method: clinical testing. Allele origin: germline.

Genetic Services Laboratory, University of Chicago
Classification: Likely benign for AllHighlyPenetrant. Review status: no assertion criteria provided. Collection method: clinical testing. Allele origin: germline. Inheritance: Autosomal recessive inheritance. Not counted in ClinVar's aggregate classification.
Comment: Likely benign based on allele frequency in 1000 Genomes Project or ESP global frequency and its presence in a patient with a rare or unrelated disease phenotype. NOT Sanger confirmed.

NM_015192.4(PLCB1):c.102C>T (p.Asp34=)

Gene: PLCB1 (phospholipase C beta 1; plus strand). Cytogenetic location: 20p12.3.
Variant type: single nucleotide variant.
Coding change: c.102C>T on transcript NM_015192.4 (MANE Select); coding-DNA position 102, C replaced by T.
Protein change: p.Asp34=; no amino-acid change (aspartic acid 34 retained).
Molecular consequence: synonymous variant.
Genome position (GRCh38, 1-based): chr20:8,150,296, C>T. VCF-style: chr20-8150296-C-T. GRCh37 (hg19) VCF-style: chr20-8130943-C-T.
Other names: p.Asp34=; c.102C>T, p.Asp34= (NM_182734.3).
Identifiers: ClinVar variation 129899 (VCV000129899.30), dbSNP rs16994453, ClinGen allele CA154258.
Genomic context (GRCh38, chr20:8,150,296, plus strand): 5'-GGATAGATTTTTCTACAGTGATATATGTTGATATTCATGTTTCTTCTTACATTTCTAGGA[C>T]TCAACTATTGTTACTCCAATTATTTTGAGGACTGACCCTCAGGGATTTTTCTTTTACTGG-3'
Protein context (NP_056007.1, residues 24-44): KGTKFVKWDD[Asp34=]STIVTPIILR